The following is an entry in ClinVar:

NM_001128228.3(TPRN):c.1944T>G (p.Ser648=)

Gene: TPRN (taperin; minus strand). Cytogenetic location: 9q34.3.
Variant type: single nucleotide variant.
Coding change: c.1944T>G on transcript NM_001128228.3 (MANE Select); coding-DNA position 1944, T replaced by G.
Protein change: p.Ser648=; no amino-acid change (serine 648 retained).
Molecular consequence: synonymous variant.
Genome position (GRCh38, 1-based): chr9:137,192,473, A>C on the plus strand (T>G on the coding strand, the complement: TPRN is on the minus strand). VCF-style: chr9-137192473-A-C. GRCh37 (hg19) VCF-style: chr9-140086925-A-C.
Identifiers: ClinVar variation 228023 (VCV000228023.5), dbSNP rs757430065, ClinGen allele CA5362586.
Genomic context (GRCh38, chr9:137,192,473, plus strand): 5'-CCCCTCCCAGGCTGCCTGTCCCCCAGGTGGGCACTCACCTGAGCTACCCTCTGGCAGCCG[A>C]GAGCTCTCGGGTCTCACGCTGCTCACAAACGTGGCCCGGGGCAGGAAGAGTGCAAAGGGC-3'
Protein context (NP_001121700.2, residues 638-658): TFVSSVRPES[Ser648=]RLPEGSSGLS

ClinVar aggregate classification (germline): Likely benign (1 of 4 stars; one submission).

Allele frequency attached by ClinVar (database versions not stated): ExAC 0.00002; gnomAD exomes below 0.00001 and 0.00001; TOPMed below 0.00001.

Submission:

Laboratory for Molecular Medicine, Mass General Brigham Personalized Medicine
Classification: Likely benign. Last evaluated: 2015-06-08. Review status: criteria provided, single submitter. Criteria: LMM Criteria. Collection method: clinical testing. Allele origin: germline. Observed: 1 variant allele.
Comment: p.Ser648Ser in exon 2 of TPRN: This variant is not expected to have clinical sig nificance because it does not alter an amino acid residue and is not located wit hin the splice consensus sequence. It has been identified in 2/8044 Latino chrom osomes by the Exome Aggregation Consortium (ExAC ).